The following is an entry in ClinVar:

ClinVar aggregate classification (germline): Uncertain significance (1 of 4 stars; one submission).

Conditions:
EGFR-related lung cancer (EGFR). Identifiers: MedGen CN130014.

Submission:

Labcorp Genetics (formerly Invitae), Labcorp
Classification: Uncertain significance for EGFR-related lung cancer. Last evaluated: 2025-11-09. Review status: criteria provided, single submitter. Criteria: Invitae Variant Classification Sherloc (09022015). Collection method: clinical testing. Allele origin: germline.
Comment: This sequence change replaces arginine, which is basic and polar, with leucine, which is neutral and non-polar, at codon 324 of the EGFR protein (p.Arg324Leu). This variant is not present in population databases (gnomAD no frequency). This variant has not been reported in the literature in individuals affected with EGFR-related conditions. ClinVar contains an entry for this variant (Variation ID: 3640106). Invitae Evidence Modeling of protein sequence and biophysical properties (such as structural, functional, and spatial information, amino acid conservation, physicochemical variation, residue mobility, and thermodynamic stability) has been performed for this missense variant. However, the output from this modeling did not meet the statistical confidence thresholds required to predict the impact of this variant on EGFR protein function. In summary, the available evidence is currently insufficient to determine the role of this variant in disease. Therefore, it has been classified as a Variant of Uncertain Significance.

NM_005228.5(EGFR):c.971G>T (p.Arg324Leu)

Gene: EGFR (epidermal growth factor receptor; plus strand). Cytogenetic location: 7p11.2.
Variant type: single nucleotide variant.
Coding change: c.971G>T on transcript NM_005228.5 (MANE Select); coding-DNA position 971, G replaced by T.
Protein change: p.Arg324Leu; replaces arginine 324 with leucine.
Molecular consequence: missense variant.
Genome position (GRCh38, 1-based): chr7:55,155,911, G>T. VCF-style: chr7-55155911-G-T. GRCh37 (hg19) VCF-style: chr7-55223604-G-T.
Other names: c.836G>T, p.Arg279Leu (NM_001346897.2, NM_001346899.2); c.971G>T, p.Arg324Leu (NM_001346898.2, NM_201282.2, NM_201283.2 and 1 more transcripts); c.812G>T, p.Arg271Leu (NM_001346900.2); c.170G>T, p.Arg57Leu (NM_001346941.2); short protein forms R279L, R324L, R57L, R271L.
Identifiers: ClinVar variation 3640106 (VCV003640106.2).